The following is an entry in ClinVar:

NM_001103.4(ACTN2):c.2614_2616delinsGAG (p.Pro872Glu)

Gene: ACTN2 (actinin alpha 2; plus strand). Cytogenetic location: 1q43.
Variant type: Indel.
Coding change: c.2614_2616delinsGAG on transcript NM_001103.4 (MANE Select); coding-DNA positions 2614 to 2616, CCA replaced by GAG.
Protein change: p.Pro872Glu; replaces proline 872 with glutamic acid.
Molecular consequence: missense variant.
Genome position (GRCh38, 1-based): chr1:236,762,548-236,762,550, CCA replaced by GAG. VCF-style: chr1-236762548-CCA-GAG. GRCh37 (hg19) VCF-style: chr1-236925848-CCA-GAG.
Other names: c.2614_2616delinsGAG, p.Pro872Glu (NM_001278343.2); c.1990_1992delinsGAG, p.Pro664Glu (NM_001278344.2); c.1864_1866delCCAinsGAG, p.Pro622Glu (NM_001412150.1); c.2614_2616delinsGAG (NM_001103.3); short protein forms P664E, P872E, P622E.
Identifiers: ClinVar variation 1793836 (VCV001793836.9), dbSNP rs2527670122, ClinGen allele CA2580062379.

ClinVar aggregate classification (germline): Uncertain significance. Review status: criteria provided, multiple submitters, no conflicts (2 of 4 stars). 3 submissions from 3 submitters: Uncertain significance (3). Last evaluated 2025-05-05.

Conditions:
Cardiovascular phenotype. Identifiers: MedGen CN230736.
Dilated cardiomyopathy 1AA (CMD1AA). Also called: CARDIOMYOPATHY, DILATED, 1AA, WITH OR WITHOUT LEFT VENTRICULAR NONCOMPACTION; CARDIOMYOPATHY, FAMILIAL HYPERTROPHIC, 23, WITH OR WITHOUT LEFT VENTRICULAR NONCOMPACTION; Cardiomyopathy, dilated, 1AA, with or without LVNC. Identifiers: Orphanet 154, MedGen C2677338, MONDO:0012808, OMIM 612158.
Primary familial hypertrophic cardiomyopathy (HCM). Identifiers: Orphanet 99739, MedGen C0949658, MeSH D024741, MONDO:0024573. Inheritance: Various modes of inheritance.

Submissions (3):

Revvity Omics, Revvity
Classification: Uncertain significance. Last evaluated: 2025-05-05. Review status: criteria provided, single submitter. Criteria: ACMG Guidelines, 2015. Collection method: clinical testing. Allele origin: germline.

Labcorp Genetics (formerly Invitae), Labcorp
Classification: Uncertain significance for Primary familial hypertrophic cardiomyopathy; Dilated cardiomyopathy 1AA. Last evaluated: 2024-06-24. Review status: criteria provided, single submitter. Criteria: Invitae Variant Classification Sherloc (09022015). Collection method: clinical testing. Allele origin: germline.
Comment: This sequence change replaces proline, which is neutral and non-polar, with glutamic acid, which is acidic and polar, at codon 872 of the ACTN2 protein (p.Pro872Glu). Information on the frequency of this variant in the gnomAD database is not available, as this variant may be reported differently in the database. This variant has not been reported in the literature in individuals affected with ACTN2-related conditions. ClinVar contains an entry for this variant (Variation ID: 1793836). An algorithm developed to predict the effect of missense changes on protein structure and function (PolyPhen-2) suggests that this variant is likely to be tolerated. In summary, the available evidence is currently insufficient to determine the role of this variant in disease. Therefore, it has been classified as a Variant of Uncertain Significance.

Ambry Genetics
Classification: Uncertain significance for Cardiovascular phenotype. Last evaluated: 2024-06-17. Review status: criteria provided, single submitter. Criteria: Ambry Variant Classification Scheme 2023. Collection method: clinical testing. Allele origin: germline.
Comment: The c.2614_2616delCCAinsGAG variant (also known as p.P872E), located in coding exon 21 of the ACTN2 gene, results from an in-frame deletion of CCA and insertion of GAG at nucleotide positions 2614 to 2616. This results in the substitution of the proline residue for a glutamic acid residue at codon 872, an amino acid with similar properties. This amino acid position is well conserved in available vertebrate species. In addition, the in silico prediction for this alteration is inconclusive (Choi Y et al. PLoS ONE. 2012; 7(10):e46688). Since supporting evidence is limited at this time, the clinical significance of this alteration remains unclear.